The following is an entry in ClinVar:

ClinVar aggregate classification (germline): Uncertain significance. Review status: criteria provided, multiple submitters, no conflicts (2 of 4 stars). 5 submissions from 4 submitters: Uncertain significance (5). Last evaluated 2023-10-31.

Conditions:
Familial thoracic aortic aneurysm and aortic dissection (TAAD). Also called: Thoracic aortic aneurysms and dissections. Identifiers: Orphanet 91387, MedGen C4707243, MONDO:0019625.
Aortic valve disease 1 (AOVD1). Identifiers: MedGen C3887892, MONDO:0024523, OMIM 109730.
Adams-Oliver syndrome 5 (AOS5). Identifiers: Orphanet 974, MedGen C4014970, MONDO:0014459, OMIM 616028.

gnomAD v4.1: 4 of 1,550,118 alleles (0.00026%); highest among the groups gnomAD compares: East Asian, 0.0024%; no homozygotes.

Submissions (5):

Ambry Genetics
Classification: Uncertain significance for Familial thoracic aortic aneurysm and aortic dissection. Last evaluated: 2023-10-31. Review status: criteria provided, single submitter. Criteria: Ambry Variant Classification Scheme 2023. Collection method: clinical testing. Allele origin: germline.
Comment: The p.T1035I variant (also known as c.3104C>T), located in coding exon 19 of the NOTCH1 gene, results from a C to T substitution at nucleotide position 3104. The threonine at codon 1035 is replaced by isoleucine, an amino acid with similar properties. This amino acid position is highly conserved in available vertebrate species. In addition, the in silico prediction for this alteration is inconclusive. Since supporting evidence is limited at this time, the clinical significance of this variant remains unclear.

Labcorp Genetics (formerly Invitae), Labcorp
Classification: Uncertain significance for Adams-Oliver syndrome 5. Last evaluated: 2022-06-13. Review status: criteria provided, single submitter. Criteria: Invitae Variant Classification Sherloc (09022015). Collection method: clinical testing. Allele origin: germline.
Comment: In summary, the available evidence is currently insufficient to determine the role of this variant in disease. Therefore, it has been classified as a Variant of Uncertain Significance. Advanced modeling of protein sequence and biophysical properties (such as structural, functional, and spatial information, amino acid conservation, physicochemical variation, residue mobility, and thermodynamic stability) performed at Invitae indicates that this missense variant is not expected to disrupt NOTCH1 protein function. ClinVar contains an entry for this variant (Variation ID: 264380). This variant has not been reported in the literature in individuals affected with NOTCH1-related conditions. This variant is not present in population databases (gnomAD no frequency). This sequence change replaces threonine, which is neutral and polar, with isoleucine, which is neutral and non-polar, at codon 1035 of the NOTCH1 protein (p.Thr1035Ile).

Genome-Nilou Lab
Classification: Uncertain significance for Adams-Oliver syndrome 5. Last evaluated: 2022-03-15. Review status: criteria provided, single submitter. Criteria: ACMG Guidelines, 2015. Collection method: clinical testing. Allele origin: germline. Affected: no.

Genome-Nilou Lab
Classification: Uncertain significance for Aortic valve disease 1. Last evaluated: 2022-03-15. Review status: criteria provided, single submitter. Criteria: ACMG Guidelines, 2015. Collection method: clinical testing. Allele origin: germline. Affected: no.

Fulgent Genetics
Classification: Uncertain significance for Aortic valve disease 1; Adams-Oliver syndrome 5. Last evaluated: 2018-10-31. Review status: criteria provided, single submitter. Criteria: ACMG Guidelines, 2015. Collection method: clinical testing. Allele origin: unknown.

NM_017617.5(NOTCH1):c.3104C>T (p.Thr1035Ile)

Gene: NOTCH1 (notch receptor 1; minus strand). Cytogenetic location: 9q34.3.
Variant type: single nucleotide variant.
Coding change: c.3104C>T on transcript NM_017617.5 (MANE Select); coding-DNA position 3104, C replaced by T.
Protein change: p.Thr1035Ile; replaces threonine 1035 with isoleucine.
Molecular consequence: missense variant.
Genome position (GRCh38, 1-based): chr9:136,508,937, G>A on the plus strand (C>T on the coding strand, the complement: NOTCH1 is on the minus strand). VCF-style: chr9-136508937-G-A. GRCh37 (hg19) VCF-style: chr9-139403389-G-A.
Other names: c.3104C>T, p.Thr1035Ile (LRG_1122t1); short protein forms T1035I.
Identifiers: ClinVar variation 264380 (VCV000264380.12), dbSNP rs886039138, ClinGen allele CA10587669.
Genomic context (GRCh38, chr9:136,508,937, plus strand): 5'-TTGGGGCCAGTGTAGCCCTGGGGGCAGGTGCACCTGTAGGAGCCGCAGCCGTCCTGACAG[G>A]TGCCGCCATGCAGGCAGGGCTGTGAGTCGCACTCATTGACATCGTGCTGGCAGTAGCTGC-3'
Protein context (NP_060087.3, residues 1025-1045): CDSQPCLHGG[Thr1035Ile]CQDGCGSYRC